The following is an entry in ClinVar:

NM_001844.5(COL2A1):c.1680+3A>G

Gene: COL2A1 (collagen type II alpha 1 chain; minus strand). Cytogenetic location: 12q13.11.
Variant type: single nucleotide variant.
Coding change: c.1680+3A>G on transcript NM_001844.5 (MANE Select); 3 bases into the intron after coding-DNA position 1680, A replaced by G.
Molecular consequence: intron variant.
Genome position (GRCh38, 1-based): chr12:47,985,725, T>C on the plus strand (A>G on the coding strand, the complement: COL2A1 is on the minus strand). VCF-style: chr12-47985725-T-C. GRCh37 (hg19) VCF-style: chr12-48379508-T-C.
Other names: c.1473+3A>G (NM_033150.3).
Identifiers: ClinVar variation 4724170 (VCV004724170.1).

ClinVar aggregate classification (germline): Uncertain significance (1 of 4 stars; one submission).

gnomAD v4.1: 5 of 1,613,866 alleles (0.00031%); highest among the groups gnomAD compares: Non-Finnish European, 0.00042%; no homozygotes.

Submission:

Labcorp Genetics (formerly Invitae), Labcorp
Classification: Uncertain significance. Last evaluated: 2025-07-27. Review status: criteria provided, single submitter. Criteria: Invitae Variant Classification Sherloc (09022015). Collection method: clinical testing. Allele origin: germline.
Comment: This sequence change falls in intron 25 of the COL2A1 gene. It does not directly change the encoded amino acid sequence of the COL2A1 protein. It affects a nucleotide within the consensus splice site. This variant is not present in population databases (gnomAD no frequency). This variant has not been reported in the literature in individuals affected with COL2A1-related conditions. Variants that disrupt the consensus splice site are a relatively common cause of aberrant splicing (PMID: 17576681, 9536098). Algorithms developed to predict the effect of sequence changes on RNA splicing suggest that this variant is not likely to affect RNA splicing. In summary, the available evidence is currently insufficient to determine the role of this variant in disease. Therefore, it has been classified as a Variant of Uncertain Significance.

Literature cited by the submitters: PubMed 17576681; PubMed 9536098.